The following is an entry in ClinVar:

ClinVar aggregate classification (germline): Uncertain significance. Review status: criteria provided, multiple submitters, no conflicts (2 of 4 stars). 3 submissions from 3 submitters: Uncertain significance (3). Last evaluated 2026-01-13.

Conditions:
Combined immunodeficiency due to DOCK8 deficiency (HIES2). Also called: HIES autosomal recessive; Hyper-IgE recurrent infection syndrome, autosomal recessive; HYPER-IgE RECURRENT INFECTION SYNDROME 2, AUTOSOMAL RECESSIVE; DOCK8 Deficiency; HYPER-IgE SYNDROME 2, AUTOSOMAL RECESSIVE, WITH RECURRENT INFECTIONS. Identifiers: Orphanet 217390, MedGen C4722305, MONDO:0009478, OMIM 243700.

Allele frequency attached by ClinVar (database versions not stated): ESP Exome Variant Server 0.00008; ExAC 0.00011; TOPMed 0.00015; gnomAD 0.00019.
gnomAD v4.1: 460 of 1,611,876 alleles (0.029%); highest among the groups gnomAD compares: Non-Finnish European, 0.038%; no homozygotes.

Submissions (3):

Labcorp Genetics (formerly Invitae), Labcorp
Classification: Uncertain significance for Combined immunodeficiency due to DOCK8 deficiency. Last evaluated: 2026-01-13. Review status: criteria provided, single submitter. Criteria: Invitae Variant Classification Sherloc (09022015). Collection method: clinical testing. Allele origin: germline.
Comment: This sequence change replaces asparagine, which is neutral and polar, with lysine, which is basic and polar, at codon 561 of the DOCK8 protein (p.Asn561Lys). This variant is present in population databases (rs372278912, gnomAD 0.03%). This missense change has been observed in individual(s) with clinical features of DOCK8 deficiency (PMID: 35874679). ClinVar contains an entry for this variant (Variation ID: 912503). Invitae Evidence Modeling of protein sequence and biophysical properties (such as structural, functional, and spatial information, amino acid conservation, physicochemical variation, residue mobility, and thermodynamic stability) indicates that this missense variant is expected to disrupt DOCK8 protein function with a positive predictive value of 80%. In summary, the available evidence is currently insufficient to determine the role of this variant in disease. Therefore, it has been classified as a Variant of Uncertain Significance.

Blueprint Genetics
Classification: Uncertain significance. Last evaluated: 2024-10-14. Review status: criteria provided, single submitter. Criteria: ACMG Guidelines, 2015. Collection method: clinical testing. Allele origin: germline.

Illumina Laboratory Services, Illumina
Classification: Uncertain significance for Combined immunodeficiency due to DOCK8 deficiency. Last evaluated: 2018-01-13. Review status: criteria provided, single submitter. Criteria: ICSL Variant Classification Criteria 13 December 2019. Collection method: clinical testing. Allele origin: germline.

Literature cited by the submitters: PubMed 35874679 (cited by Labcorp Genetics (formerly Invitae), Labcorp).

NM_203447.4(DOCK8):c.1683C>A (p.Asn561Lys)

Gene: DOCK8 (dedicator of cytokinesis 8; plus strand). Cytogenetic location: 9p24.3.
Variant type: single nucleotide variant.
Coding change: c.1683C>A on transcript NM_203447.4 (MANE Select); coding-DNA position 1683, C replaced by A.
Protein change: p.Asn561Lys; replaces asparagine 561 with lysine.
Molecular consequence: missense variant.
Genome position (GRCh38, 1-based): chr9:368,021, C>A. VCF-style: chr9-368021-C-A. GRCh37 (hg19) VCF-style: chr9-368021-C-A.
Other names: c.1479C>A, p.Asn493Lys (NM_001190458.2, NM_001193536.2); short protein forms N493K, N561K.
Identifiers: ClinVar variation 912503 (VCV000912503.10), dbSNP rs372278912, ClinGen allele CA4957858.